The following is an entry in ClinVar:

NM_000541.5(SAG):c.578G>A (p.Arg193Gln)

Gene: SAG (S-antigen visual arrestin; plus strand). Cytogenetic location: 2q37.1.
Variant type: single nucleotide variant.
Coding change: c.578G>A on transcript NM_000541.5 (MANE Select); coding-DNA position 578, G replaced by A.
Protein change: p.Arg193Gln; replaces arginine 193 with glutamine.
Molecular consequence: missense variant.
Genome position (GRCh38, 1-based): chr2:233,328,543, G>A. VCF-style: chr2-233328543-G-A. GRCh37 (hg19) VCF-style: chr2-234237189-G-A.
Other names: short protein forms R193Q.
Identifiers: ClinVar variation 1514571 (VCV001514571.8), dbSNP rs200197391, ClinGen allele CA2174440.

ClinVar aggregate classification (germline): Uncertain significance (1 of 4 stars; one submission).

Allele frequency attached by ClinVar (database versions not stated): ExAC 0.00001; gnomAD exomes 0.00001 and 0.00002; gnomAD 0.00003; 1000 Genomes Project 0.00020; 1000 Genomes Project 30x 0.00031.
gnomAD v4.1: 13 of 1,613,890 alleles (0.00081%); highest among the groups gnomAD compares: Admixed American, 0.0067%; no homozygotes.

Submission:

Labcorp Genetics (formerly Invitae), Labcorp
Classification: Uncertain significance. Last evaluated: 2021-06-24. Review status: criteria provided, single submitter. Criteria: Invitae Variant Classification Sherloc (09022015). Collection method: clinical testing. Allele origin: germline.
Comment: This sequence change replaces arginine with glutamine at codon 193 of the SAG protein (p.Arg193Gln). The arginine residue is weakly conserved and there is a small physicochemical difference between arginine and glutamine. This variant is present in population databases (rs200197391, ExAC 0.009%). This variant has not been reported in the literature in individuals with SAG-related conditions. Algorithms developed to predict the effect of missense changes on protein structure and function output the following: SIFT: "Tolerated"; PolyPhen-2: "Benign"; Align-GVGD: "Class C0". The glutamine amino acid residue is found in multiple mammalian species, suggesting that this missense change does not adversely affect protein function. These predictions have not been confirmed by published functional studies and their clinical significance is uncertain. In summary, the available evidence is currently insufficient to determine the role of this variant in disease. Therefore, it has been classified as a Variant of Uncertain Significance.